The following is an entry in ClinVar:

NM_001844.5(COL2A1):c.2513C>T (p.Pro838Leu)

Gene: COL2A1 (collagen type II alpha 1 chain; minus strand). Cytogenetic location: 12q13.11.
Variant type: single nucleotide variant.
Coding change: c.2513C>T on transcript NM_001844.5 (MANE Select); coding-DNA position 2513, C replaced by T.
Protein change: p.Pro838Leu; replaces proline 838 with leucine.
Molecular consequence: missense variant.
Genome position (GRCh38, 1-based): chr12:47,980,919, G>A on the plus strand (C>T on the coding strand, the complement: COL2A1 is on the minus strand). VCF-style: chr12-47980919-G-A. GRCh37 (hg19) VCF-style: chr12-48374702-G-A.
Other names: c.2306C>T, p.Pro769Leu (NM_033150.3); short protein forms P769L, P838L.
Identifiers: ClinVar variation 3350557 (VCV003350557.1).

ClinVar aggregate classification (germline): Uncertain significance (0 of 4 stars; one submission).

Conditions:
COL2A1-related disorder. Also called: COL2A1-related condition; COL2A1-related disorders.

gnomAD v4.1: 1 of 1,552,684 alleles (0.000064%); no homozygotes.

Submission:

PreventionGenetics, part of Exact Sciences
Classification: Uncertain significance for COL2A1-related condition. Last evaluated: 2024-03-22. Review status: no assertion criteria provided. Collection method: clinical testing. Allele origin: germline.
Comment: The COL2A1 c.2513C>T variant is predicted to result in the amino acid substitution p.Pro838Leu. To our knowledge, this variant has not been reported in the literature or in a large population database, indicating this variant is rare. At this time, the clinical significance of this variant is uncertain due to the absence of conclusive functional and genetic evidence.